The following is an entry in ClinVar:

ClinVar aggregate classification (germline): Benign/Likely benign. Review status: criteria provided, multiple submitters, no conflicts (2 of 4 stars). 7 submissions from 7 submitters: Benign (6); Likely benign (1). Last evaluated 2026-05-08.

Conditions:
Ellis-van Creveld syndrome (EVC). Also called: Chondroectodermal dysplasia; MESOECTODERMAL DYSPLASIA. Identifiers: Orphanet 289, MedGen C0013903, MONDO:0009162, OMIM 225500.
Curry-Hall syndrome (WAD). Also called: WEYERS ACRODENTAL DYSOSTOSIS. Identifiers: Orphanet 952, MedGen C0457013, MONDO:0008673, OMIM 193530.

Allele frequency attached by ClinVar (database versions not stated): gnomAD exomes 0.30398 and 0.36632; ExAC 0.37059; ESP Exome Variant Server 0.44595; gnomAD 0.44895 and 0.45556; TOPMed 0.47154; 1000 Genomes Project 0.51757; 1000 Genomes Project 30x 0.52577.
gnomAD v4.1: 513,777 of 1,613,758 alleles (32%); highest among the groups gnomAD compares: African/African-American, 80%; 94,610 homozygotes.

Submissions (7):

Women's Health and Genetics/Laboratory Corporation of America, LabCorp
Classification: Likely benign. Last evaluated: 2026-05-08. Review status: criteria provided, single submitter. Criteria: LabCorp Variant Classification Summary - May 2015. Collection method: clinical testing. Allele origin: germline.

Labcorp Genetics (formerly Invitae), Labcorp
Classification: Benign for Curry-Hall syndrome; Ellis-van Creveld syndrome. Last evaluated: 2026-02-04. Review status: criteria provided, single submitter. Criteria: Invitae Variant Classification Sherloc (09022015). Collection method: clinical testing. Allele origin: germline.

Blueprint Genetics
Classification: Benign. Last evaluated: 2024-11-26. Review status: criteria provided, single submitter. Criteria: ACMG Guidelines, 2015. Collection method: clinical testing. Allele origin: germline.

Illumina Laboratory Services, Illumina
Classification: Benign for Ellis-van Creveld syndrome. Last evaluated: 2018-01-13. Review status: criteria provided, single submitter. Criteria: ICSL Variant Classification Criteria 13 December 2019. Collection method: clinical testing. Allele origin: germline.
Comment: This variant was observed in the ICSL laboratory as part of a predisposition screen in an ostensibly healthy population. It had not been previously curated by ICSL or reported in the Human Gene Mutation Database (HGMD: prior to June 1st, 2018), and was therefore a candidate for classification through an automated scoring system. Utilizing variant allele frequency, disease prevalence and penetrance estimates, and inheritance mode, an automated score was calculated to assess if this variant is too frequent to cause the disease. Based on the score and internal cut-off values, a variant classified as benign is not then subjected to further curation. The score for this variant resulted in a classification of benign for this disease.

GeneDx
Classification: Benign. Last evaluated: 2016-03-21. Review status: criteria provided, single submitter. Criteria: GeneDx Variant Classification (06012015). Collection method: clinical testing. Allele origin: germline. Affected: yes.
Comment: This variant is considered likely benign or benign based on one or more of the following criteria: it is a conservative change, it occurs at a poorly conserved position in the protein, it is predicted to be benign by multiple in silico algorithms, and/or has population frequency not consistent with disease.

Breakthrough Genomics
Classification: Benign. Review status: criteria provided, single submitter. Criteria: ACMG Guidelines, 2015. Collection method: not provided. Allele origin: germline. Inheritance: Autosomal recessive inheritance. Affected: yes.

PreventionGenetics, part of Exact Sciences
Classification: Benign. Review status: criteria provided, single submitter. Criteria: ACMG Guidelines, 2015. Collection method: clinical testing. Allele origin: germline.

NM_147127.5(EVC2):c.2095A>G (p.Thr699Ala)

Gene: EVC2 (EvC ciliary complex subunit 2; minus strand). Cytogenetic location: 4p16.2.
Variant type: single nucleotide variant.
Coding change: c.2095A>G on transcript NM_147127.5 (MANE Select); coding-DNA position 2095, A replaced by G.
Protein change: p.Thr699Ala; replaces threonine 699 with alanine.
Molecular consequence: missense variant.
Genome position (GRCh38, 1-based): chr4:5,622,943, T>C on the plus strand (A>G on the coding strand, the complement: EVC2 is on the minus strand). VCF-style: chr4-5622943-T-C. GRCh37 (hg19) VCF-style: chr4-5624670-T-C.
Other names: c.1855A>G, p.Thr619Ala (NM_001166136.2); short protein forms T699A, T619A.
Identifiers: ClinVar variation 262610 (VCV000262610.18), dbSNP rs730469, ClinGen allele CA2834806.
Genomic context (GRCh38, chr4:5,622,943, plus strand): 5'-CACCGTGCTCCTCCATCAGGCTCCTCTTCTGGTGCAGGTACTGGCCGGCATCCTCAACCG[T>C]TCGGAAGGCCTCGCCGACGGACGCCTGCTCCCTACGCTGCTCCCTGTGCTGGAGTTTCAG-3'
Protein context (NP_667338.3, residues 689-709): EQASVGEAFR[Thr699Ala]VEDAGQYLHQ